The following is an entry in ClinVar:

ClinVar aggregate classification (germline): Uncertain significance (1 of 4 stars; one submission).

Conditions:
Emery-Dreifuss muscular dystrophy (EDMD). Also called: Scapuloperoneal syndrome, X-linked (formerly); Humeroperoneal neuromuscular disease, (formerly). Identifiers: Orphanet 261, MedGen C0410189, MONDO:0016830.

Allele frequency attached by ClinVar (database versions not stated): gnomAD exomes below 0.00001; ExAC 0.00001; gnomAD 0.00001.
gnomAD v4.1: 1 of 1,613,788 alleles (0.000062%); highest among the groups gnomAD compares: Non-Finnish European, 0.000085%; no homozygotes.

Submission:

Labcorp Genetics (formerly Invitae), Labcorp
Classification: Uncertain significance for Emery-Dreifuss muscular dystrophy. Last evaluated: 2019-03-15. Review status: criteria provided, single submitter. Criteria: Invitae Variant Classification Sherloc (09022015). Collection method: clinical testing. Allele origin: germline.
Comment: In summary, the available evidence is currently insufficient to determine the role of this variant in disease. Therefore, it has been classified as a Variant of Uncertain Significance. This sequence change creates a premature translational stop signal (p.Trp183*) in the SUN2 gene. It is expected to result in an absent or disrupted protein product. This variant is present in population databases (rs746473215, ExAC 0.002%). This variant has not been reported in the literature in individuals with SUN2-related conditions. The current clinical and genetic evidence is not sufficient to establish whether loss-of-function variants in SUN2 cause disease.

NM_015374.3(SUN2):c.549G>A (p.Trp183Ter)

Gene: SUN2 (Sad1 and UNC84 domain containing 2; minus strand). Cytogenetic location: 22q13.1.
Variant type: single nucleotide variant.
Coding change: c.549G>A on transcript NM_015374.3 (MANE Select); coding-DNA position 549, G replaced by A.
Protein change: p.Trp183Ter; replaces tryptophan 183 with a stop codon.
Molecular consequence: nonsense.
Genome position (GRCh38, 1-based): chr22:38,749,831, C>T on the plus strand (G>A on the coding strand, the complement: SUN2 is on the minus strand). VCF-style: chr22-38749831-C-T. GRCh37 (hg19) VCF-style: chr22-39145836-C-T.
Other names: c.612G>A, p.Trp204Ter (NM_001199579.2); c.549G>A, p.Trp183Ter (NM_001199580.2); short protein forms W183*, W204*.
Identifiers: ClinVar variation 844716 (VCV000844716.7), dbSNP rs746473215, ClinGen allele CA10235875.